The following is an entry in ClinVar:

NM_000059.4(BRCA2):c.9502-449A>G

Gene: BRCA2 (BRCA2 DNA repair associated; plus strand). Cytogenetic location: 13q13.1.
Variant type: single nucleotide variant.
Coding change: c.9502-449A>G on transcript NM_000059.4 (MANE Select); 449 bases into the intron before coding-DNA position 9502, A replaced by G.
Molecular consequence: intron variant.
Genome position (GRCh38, 1-based): chr13:32,396,449, A>G. VCF-style: chr13-32396449-A-G. GRCh37 (hg19) VCF-style: chr13-32970586-A-G.
Other names: IVS 25-449A>G.
Identifiers: ClinVar variation 209917 (VCV000209917.1), dbSNP rs517118, ClinGen allele CA276885.

ClinVar aggregate classification (germline): Benign (3 of 4 stars; one submission).

Conditions:
Breast-ovarian cancer, familial, susceptibility to, 2 (BROVCA2). Also called: BRCA2 Hereditary Breast and Ovarian Cancer. Identifiers: Orphanet 145, MedGen C2675520, MONDO:0012933, OMIM 612555. Disease mechanism: loss of function.

Allele frequency attached by ClinVar (database versions not stated): 1000 Genomes Project 30x 0.20971; 1000 Genomes Project 0.21006; gnomAD 0.22061 and 0.22351; TOPMed 0.22621.
gnomAD v4.1: 34,153 of 152,220 alleles (22%); highest among the groups gnomAD compares: Middle Eastern, 30%; 4,310 homozygotes.

Submission:

Evidence-based Network for the Interpretation of Germline Mutant Alleles (ENIGMA)
Classification: Benign for Breast-ovarian cancer, familial 2. Last evaluated: 2015-01-12. Review status: reviewed by expert panel. Criteria: ENIGMA BRCA1/2 Classification Criteria (2015). Collection method: curation. Allele origin: germline.
Comment: Class 1 not pathogenic based on frequency >1% in an outbred sampleset. Frequency 0.1923 (Asian), 0.1037 (African), 0.248 (European), derived from 1000 genomes (2012-04-30).